The following is an entry in ClinVar:

ClinVar aggregate classification (germline): Uncertain significance. Review status: criteria provided, multiple submitters, no conflicts (2 of 4 stars). 2 submissions from 2 submitters: Uncertain significance (2). Last evaluated 2024-12-11.

Conditions:
Developmental and epileptic encephalopathy, 9 (DEE9). Also called: Early infantile epileptic encephalopathy 9; EPILEPSY, FEMALE-RESTRICTED, WITH MENTAL RETARDATION; JUBERG-HELLMAN SYNDROME; PCDH19-Related X-Linked Female-Limited Epilepsy with Mental Retardation. Identifiers: Orphanet 101039, Orphanet 2076, MedGen C1848137, MONDO:0010246, OMIM 300088. Disease mechanism: loss of function.

Allele frequency attached by ClinVar (database versions not stated): gnomAD exomes below 0.00001; TOPMed below 0.00001; ExAC 0.00001; gnomAD 0.00002; ESP Exome Variant Server 0.00010.
gnomAD v4.1: 4 of 1,210,272 alleles (0.00033%); highest among the groups gnomAD compares: African/African-American, 0.0035%; no homozygotes.

Submissions (2):

GeneDx
Classification: Uncertain significance. Last evaluated: 2024-12-11. Review status: criteria provided, single submitter. Criteria: GeneDx Variant Classification Process June 2021. Collection method: clinical testing. Allele origin: germline. Affected: yes.
Comment: In silico analysis indicates that this missense variant does not alter protein structure/function; Has not been previously published as pathogenic or benign to our knowledge

Labcorp Genetics (formerly Invitae), Labcorp
Classification: Uncertain significance for Developmental and epileptic encephalopathy, 9. Last evaluated: 2023-01-18. Review status: criteria provided, single submitter. Criteria: Invitae Variant Classification Sherloc (09022015). Collection method: clinical testing. Allele origin: germline.
Comment: In summary, the available evidence is currently insufficient to determine the role of this variant in disease. Therefore, it has been classified as a Variant of Uncertain Significance. Advanced modeling of protein sequence and biophysical properties (such as structural, functional, and spatial information, amino acid conservation, physicochemical variation, residue mobility, and thermodynamic stability) performed at Invitae indicates that this missense variant is not expected to disrupt PCDH19 protein function. This variant has not been reported in the literature in individuals affected with PCDH19-related conditions. This variant is present in population databases (rs368076624, gnomAD 0.02%). This sequence change replaces asparagine, which is neutral and polar, with serine, which is neutral and polar, at codon 812 of the PCDH19 protein (p.Asn812Ser).

NM_001184880.2(PCDH19):c.2435A>G (p.Asn812Ser)

Genes: PCDH19 (protocadherin 19; minus strand), LOC125467768 (CDK7 strongly-dependent group 2 enhancer GRCh37_chrX:99657381-99658580; plus strand). Cytogenetic location: Xq22.1.
Variant type: single nucleotide variant.
Coding change: c.2435A>G on transcript NM_001184880.2 (MANE Select); coding-DNA position 2435, A replaced by G.
Protein change: p.Asn812Ser; replaces asparagine 812 with serine.
Molecular consequence: missense variant.
Genome position (GRCh38, 1-based): chrX:100,402,705, T>C on the plus strand (A>G on the coding strand, the complement: PCDH19 is on the minus strand). VCF-style: chrX-100402705-T-C. GRCh37 (hg19) VCF-style: chrX-99657703-T-C.
Other names: c.2294A>G, p.Asn765Ser (NM_001105243.2, NM_020766.3); c.2435A>G (NM_001184880.1); short protein forms N765S, N812S.
Identifiers: ClinVar variation 2740839 (VCV002740839.4), dbSNP rs368076624, ClinGen allele CA10468771.